The following is an entry in ClinVar:

ClinVar aggregate classification (germline): Pathogenic (1 of 4 stars; one submission).

Conditions:
Dyskeratosis congenita. Identifiers: Orphanet 1775, MedGen C0265965, MONDO:0015780.

Allele frequency attached by ClinVar (database versions not stated): gnomAD 0.00001; gnomAD exomes 0.00001; TOPMed 0.00001.

Submission:

Labcorp Genetics (formerly Invitae), Labcorp
Classification: Pathogenic for Dyskeratosis congenita. Last evaluated: 2023-07-19. Review status: criteria provided, single submitter. Criteria: Invitae Variant Classification Sherloc (09022015). Collection method: clinical testing. Allele origin: germline.
Comment: This sequence change creates a premature translational stop signal (p.Gln316*) in the CTC1 gene. It is expected to result in an absent or disrupted protein product. Loss-of-function variants in CTC1 are known to be pathogenic (PMID: 22267198, 22387016). This variant is not present in population databases (gnomAD no frequency). This variant has not been reported in the literature in individuals affected with CTC1-related conditions. For these reasons, this variant has been classified as Pathogenic.

Literature cited by the submitters: PubMed 22267198; PubMed 22387016.

NM_025099.6(CTC1):c.946C>T (p.Gln316Ter)

Gene: CTC1 (CST telomere replication complex component 1; minus strand). Cytogenetic location: 17p13.1.
Variant type: single nucleotide variant.
Coding change: c.946C>T on transcript NM_025099.6 (MANE Select); coding-DNA position 946, C replaced by T.
Protein change: p.Gln316Ter; replaces glutamine 316 with a stop codon.
Molecular consequence: nonsense. On other transcripts: non-coding transcript variant (1).
Genome position (GRCh38, 1-based): chr17:8,236,189, G>A on the plus strand (C>T on the coding strand, the complement: CTC1 is on the minus strand). VCF-style: chr17-8236189-G-A. GRCh37 (hg19) VCF-style: chr17-8139507-G-A.
Other names: c.946C>T, p.Gln316Ter (NM_001411067.1); short protein forms Q316*.
Identifiers: ClinVar variation 2913634 (VCV002913634.3), dbSNP rs1220062851, ClinGen allele CA397988428.